The following is an entry in ClinVar:

NM_014908.4(DOLK):c.1284G>C (p.Gln428His)

Gene: DOLK (dolichol kinase; minus strand). Cytogenetic location: 9q34.11.
Variant type: single nucleotide variant.
Coding change: c.1284G>C on transcript NM_014908.4 (MANE Select); coding-DNA position 1284, G replaced by C.
Protein change: p.Gln428His; replaces glutamine 428 with histidine.
Molecular consequence: missense variant.
Genome position (GRCh38, 1-based): chr9:128,946,020, C>G on the plus strand (G>C on the coding strand, the complement: DOLK is on the minus strand). VCF-style: chr9-128946020-C-G. GRCh37 (hg19) VCF-style: chr9-131708299-C-G.
Other names: short protein forms Q428H.
Identifiers: ClinVar variation 1375238 (VCV001375238.8), dbSNP rs1458281229, ClinGen allele CA375118213.

ClinVar aggregate classification (germline): Uncertain significance (1 of 4 stars; one submission).

Conditions:
DK1-congenital disorder of glycosylation. Also called: DK1-CDG; DOLK-congenital disorder of glycosylation; Carbohydrate deficient glycoprotein syndrome type 1m; CDG Im; DK1 DEFICIENCY; DOLICHOL KINASE DEFICIENCY. Identifiers: Orphanet 91131, MedGen C1835849, MONDO:0012556, OMIM 610768.

Allele frequency attached by ClinVar (database versions not stated): gnomAD exomes below 0.00001; gnomAD 0.00001.

Submission:

Labcorp Genetics (formerly Invitae), Labcorp
Classification: Uncertain significance for DK1-congenital disorder of glycosylation. Last evaluated: 2025-02-05. Review status: criteria provided, single submitter. Criteria: Invitae Variant Classification Sherloc (09022015). Collection method: clinical testing. Allele origin: germline.
Comment: This sequence change replaces glutamine, which is neutral and polar, with histidine, which is basic and polar, at codon 428 of the DOLK protein (p.Gln428His). This variant is present in population databases (no rsID available, gnomAD 0.003%). This variant has not been reported in the literature in individuals affected with DOLK-related conditions. ClinVar contains an entry for this variant (Variation ID: 1375238). An algorithm developed to predict the effect of missense changes on protein structure and function (PolyPhen-2) suggests that this variant is likely to be tolerated. In summary, the available evidence is currently insufficient to determine the role of this variant in disease. Therefore, it has been classified as a Variant of Uncertain Significance.